The following is an entry in ClinVar:

ClinVar aggregate classification (germline): Likely benign (1 of 4 stars; one submission).

Conditions:
Fraser syndrome 2 (FRASRS2). Identifiers: MedGen C4540036, MONDO:0054738, OMIM 617666.

Allele frequency attached by ClinVar (database versions not stated): 1000 Genomes Project 30x 0.00219; 1000 Genomes Project 0.00220; gnomAD 0.00288 and 0.00312; TOPMed 0.00362.

Submission:

Illumina Laboratory Services, Illumina
Classification: Likely benign for Fraser syndrome 2. Last evaluated: 2018-01-13. Review status: criteria provided, single submitter. Criteria: ICSL Variant Classification Criteria 13 December 2019. Collection method: clinical testing. Allele origin: germline.
Comment: This variant was observed in the ICSL laboratory as part of a predisposition screen in an ostensibly healthy population. It had not been previously curated by ICSL or reported in the Human Gene Mutation Database (HGMD: prior to June 1st, 2018), and was therefore a candidate for classification through an automated scoring system. Utilizing variant allele frequency, disease prevalence and penetrance estimates, and inheritance mode, an automated score was calculated to assess if this variant is too frequent to cause the disease. Based on the score and internal cut-off values, a variant classified as likely benign is not then subjected to further curation. The score for this variant resulted in a classification of likely benign for this disease.

NM_207361.6(FREM2):c.*2428G>A

Gene: FREM2 (FRAS1 related extracellular matrix 2; plus strand). Cytogenetic location: 13q13.3.
Variant type: single nucleotide variant.
Coding change: c.*2428G>A on transcript NM_207361.6 (MANE Select); 2428 bases downstream of the stop codon, G replaced by A.
Molecular consequence: 3 prime UTR variant.
Genome position (GRCh38, 1-based): chr13:38,883,215, G>A. VCF-style: chr13-38883215-G-A. GRCh37 (hg19) VCF-style: chr13-39457352-G-A.
Identifiers: ClinVar variation 312071 (VCV000312071.5), dbSNP rs145248293, ClinGen allele CA10643450.